The following is an entry in ClinVar:

NM_014956.5(CEP164):c.3917dup (p.Pro1306_Lys1307insTer)

Gene: CEP164 (centrosomal protein 164; plus strand). Cytogenetic location: 11q23.3.
Variant type: Duplication.
Coding change: c.3917dup on transcript NM_014956.5 (MANE Select); coding-DNA position 3917, one base duplicated (C; older notation c.3917dupC).
Protein change: p.Pro1306_Lys1307insTer.
Molecular consequence: frameshift variant.
Genome position (GRCh38, 1-based): chr11:117,409,786, C duplicated; the last of 3 consecutive C bases (chr11:117,409,784-117,409,786); duplicating any one gives the same sequence. VCF-style (leftmost placement, unchanged base first): chr11-117409783-A-AC. GRCh37 (hg19) VCF-style: chr11-117280499-A-AC.
Other names: c.3902dup, p.Pro1301_Lys1302insTer (NM_001271933.2); c.3917dupC (NM_014956.4).
Identifiers: ClinVar variation 3657766 (VCV003657766.3).

ClinVar aggregate classification (germline): Pathogenic/Likely pathogenic. Review status: criteria provided, multiple submitters, no conflicts (2 of 4 stars). 2 submissions from 2 submitters: Pathogenic (1); Likely pathogenic (1). Last evaluated 2026-03-19.

Conditions:
CEP164-related disorder. Also called: CEP164-related condition.
Nephronophthisis 15 (NPHP15). Identifiers: Orphanet 3156, MedGen C3541853, MONDO:0013917, OMIM 614845.

Submissions (2):

PreventionGenetics, part of Exact Sciences
Classification: Likely pathogenic for CEP164-related condition. Last evaluated: 2026-03-19. Review status: criteria provided, single submitter. Criteria: ACMG Guidelines, 2015. Collection method: clinical testing. Allele origin: germline.
Comment: The CEP164 c.3917dupC variant is predicted to result in premature protein termination (p.Lys1307*). To our knowledge, this variant has not been reported in the literature or in a large population database, indicating this variant is rare. Nonsense variants in CEP164 are expected to be pathogenic. This variant is interpreted as likely pathogenic.

Labcorp Genetics (formerly Invitae), Labcorp
Classification: Pathogenic for Nephronophthisis 15. Last evaluated: 2024-06-25. Review status: criteria provided, single submitter. Criteria: Invitae Variant Classification Sherloc (09022015). Collection method: clinical testing. Allele origin: germline.
Comment: This sequence change creates a premature translational stop signal (p.Lys1307*) in the CEP164 gene. It is expected to result in an absent or disrupted protein product. Loss-of-function variants in CEP164 are known to be pathogenic (PMID: 22863007, 28125082, 32367404, 34132027, 34499853). This variant is not present in population databases (gnomAD no frequency). This variant has not been reported in the literature in individuals affected with CEP164-related conditions. For these reasons, this variant has been classified as Pathogenic.

Literature cited by the submitters: PubMed 22863007 (cited by Labcorp Genetics (formerly Invitae), Labcorp); PubMed 28125082 (cited by Labcorp Genetics (formerly Invitae), Labcorp); PubMed 32367404 (cited by Labcorp Genetics (formerly Invitae), Labcorp); PubMed 34132027 (cited by Labcorp Genetics (formerly Invitae), Labcorp); PubMed 34499853 (cited by Labcorp Genetics (formerly Invitae), Labcorp).